The following is an entry in ClinVar:

NM_007194.4(CHEK2):c.745A>G (p.Lys249Glu)

Gene: CHEK2 (checkpoint kinase 2; minus strand). Cytogenetic location: 22q12.1.
Variant type: single nucleotide variant.
Coding change: c.745A>G on transcript NM_007194.4 (MANE Select); coding-DNA position 745, A replaced by G.
Protein change: p.Lys249Glu; replaces lysine 249 with glutamic acid.
Molecular consequence: missense variant.
Genome position (GRCh38, 1-based): chr22:28,711,956, T>C on the plus strand (A>G on the coding strand, the complement: CHEK2 is on the minus strand). VCF-style: chr22-28711956-T-C. GRCh37 (hg19) VCF-style: chr22-29107944-T-C.
Other names: c.874A>G, p.Lys292Glu (NM_001005735.3, NM_001438294.1); c.82A>G, p.Lys28Glu (NM_001257387.3, NM_001437942.1); c.544A>G, p.Lys182Glu (NM_001349956.3); c.838A>G, p.Lys280Glu (NM_001438293.1, NM_001438295.1); c.745A>G, p.Lys249Glu (NM_145862.3); short protein forms K182E, K28E, K292E, K249E, K280E.
Identifiers: ClinVar variation 5034544 (VCV005034544.1).

ClinVar aggregate classification (germline): Uncertain significance (1 of 4 stars; one submission).

Conditions:
Hereditary cancer-predisposing syndrome. Also called: Hereditary Cancer Syndrome; Neoplastic Syndromes, Hereditary; Tumor predisposition; Hereditary neoplastic syndrome. Identifiers: Orphanet 140162, MedGen C0027672, MeSH D009386, MONDO:0015356.

Submission:

Ambry Genetics
Classification: Uncertain significance for Hereditary cancer-predisposing syndrome. Last evaluated: 2026-06-17. Review status: criteria provided, single submitter. Criteria: Ambry Variant Classification Scheme 2023. Collection method: clinical testing. Allele origin: germline.
Comment: The p.K249E variant (also known as c.745A>G), located in coding exon 5 of the CHEK2 gene, results from an A to G substitution at nucleotide position 745. The lysine at codon 249 is replaced by glutamic acid, an amino acid with similar properties. This amino acid position is highly conserved in available vertebrate species. In addition, this alteration is predicted to be deleterious by in silico analysis. Based on the available evidence, the clinical significance of this variant remains unclear.